The following is an entry in ClinVar:

NM_018249.6(CDK5RAP2):c.4325C>T (p.Ser1442Leu)

Gene: CDK5RAP2 (CDK5 regulatory subunit associated protein 2; minus strand). Cytogenetic location: 9q33.2.
Variant type: single nucleotide variant.
Coding change: c.4325C>T on transcript NM_018249.6 (MANE Select); coding-DNA position 4325, C replaced by T.
Protein change: p.Ser1442Leu; replaces serine 1442 with leucine.
Molecular consequence: missense variant. On other transcripts: non-coding transcript variant (5).
Genome position (GRCh38, 1-based): chr9:120,411,447, G>A on the plus strand (C>T on the coding strand, the complement: CDK5RAP2 is on the minus strand). VCF-style: chr9-120411447-G-A. GRCh37 (hg19) VCF-style: chr9-123173725-G-A.
Other names: c.4325C>T, p.Ser1442Leu (NM_001011649.3); c.3635C>T, p.Ser1212Leu (NM_001272039.2); short protein forms S1442L, S1212L.
Identifiers: ClinVar variation 158148 (VCV000158148.9), dbSNP rs376138280, ClinGen allele CA271216.

ClinVar aggregate classification (germline): Uncertain significance. Review status: criteria provided, multiple submitters, no conflicts (2 of 4 stars). 3 submissions from 3 submitters: Uncertain significance (3). Last evaluated 2025-07-02.

Conditions:
Microcephaly 3, primary, autosomal recessive. Identifiers: Orphanet 2512, MedGen C1858108, MONDO:0011488, OMIM 604804.
Inborn genetic diseases. Identifiers: MedGen C0950123, MeSH D030342.

Allele frequency attached by ClinVar (database versions not stated): ExAC 0.00002; gnomAD 0.00002 and 0.00006; gnomAD exomes 0.00002; ESP Exome Variant Server 0.00008; TOPMed 0.00011.
gnomAD v4.1: 27 of 1,611,302 alleles (0.0017%); highest among the groups gnomAD compares: Non-Finnish European, 0.0018%; no homozygotes.

Submissions (3):

Ambry Genetics
Classification: Uncertain significance for Inborn genetic diseases. Last evaluated: 2025-07-02. Review status: criteria provided, single submitter. Criteria: Ambry Variant Classification Scheme 2023. Collection method: clinical testing. Allele origin: germline.

Labcorp Genetics (formerly Invitae), Labcorp
Classification: Uncertain significance. Last evaluated: 2025-01-18. Review status: criteria provided, single submitter. Criteria: Invitae Variant Classification Sherloc (09022015). Collection method: clinical testing. Allele origin: germline.
Comment: This sequence change replaces serine, which is neutral and polar, with leucine, which is neutral and non-polar, at codon 1442 of the CDK5RAP2 protein (p.Ser1442Leu). This variant is present in population databases (rs376138280, gnomAD 0.004%). This variant has not been reported in the literature in individuals affected with CDK5RAP2-related conditions. ClinVar contains an entry for this variant (Variation ID: 158148). An algorithm developed to predict the effect of missense changes on protein structure and function (PolyPhen-2) suggests that this variant is likely to be disruptive. In summary, the available evidence is currently insufficient to determine the role of this variant in disease. Therefore, it has been classified as a Variant of Uncertain Significance.

Genetic Services Laboratory, University of Chicago
Classification: Uncertain significance for Microcephaly 3, primary, autosomal recessive. Last evaluated: 2013-02-08. Review status: criteria provided, single submitter. Criteria: ACMG Guidelines, 2007. Collection method: clinical testing. Allele origin: germline. Inheritance: Autosomal recessive inheritance.